The following is an entry in ClinVar:

NM_000348.4(SRD5A2):c.151G>A (p.Ala51Thr)

Gene: SRD5A2 (steroid 5 alpha-reductase 2; minus strand). Cytogenetic location: 2p23.1.
Variant type: single nucleotide variant.
Coding change: c.151G>A on transcript NM_000348.4 (MANE Select); coding-DNA position 151, G replaced by A.
Protein change: p.Ala51Thr; replaces alanine 51 with threonine.
Molecular consequence: missense variant.
Genome position (GRCh38, 1-based): chr2:31,580,750, C>T on the plus strand (G>A on the coding strand, the complement: SRD5A2 is on the minus strand). VCF-style: chr2-31580750-C-T. GRCh37 (hg19) VCF-style: chr2-31805820-C-T.
Other names: short protein forms A51T.
Identifiers: ClinVar variation 97391 (VCV000097391.4), dbSNP rs61748123, ClinGen allele CA224884.

ClinVar aggregate classification (germline): Conflicting classifications of pathogenicity. Review status: criteria provided, conflicting classifications (1 of 4 stars). 4 submissions from 4 submitters: Likely pathogenic (2); Uncertain significance (1). 1 of the submissions does not count toward it. Last evaluated 2025-09-15.

Conditions:
3-Oxo-5 alpha-steroid delta 4-dehydrogenase deficiency (PPSH). Also called: 46,XY disorder of sex development due to 5-alpha-reductase 2 deficiency; FAMILIAL INCOMPLETE MALE PSEUDOHERMAPHRODITISM, TYPE 2; MALE PSEUDOHERMAPHRODITISM DUE TO 5-ALPHA-REDUCTASE DEFICIENCY; PSEUDOVAGINAL PERINEOSCROTAL HYPOSPADIAS. Identifiers: Orphanet 753, MedGen C0268297, MONDO:0009923, OMIM 264600. Disease mechanism: loss of function.

Allele frequency attached by ClinVar (database versions not stated): ExAC 0.00002; gnomAD exomes 0.00002; TOPMed 0.00007; gnomAD 0.00012.
gnomAD v4.1: 41 of 1,610,268 alleles (0.0025%); highest among the groups gnomAD compares: African/African-American, 0.02%; no homozygotes.

Submissions (4):

First Genomix Gene Laboratory, Genetic Diagnostics Department
Classification: Likely pathogenic for 3-Oxo-5 alpha-steroid delta 4-dehydrogenase deficiency. Last evaluated: 2025-09-15. Review status: criteria provided, single submitter. Criteria: ACMG Guidelines, 2015. Collection method: clinical testing. Allele origin: germline. Inheritance: Autosomal recessive inheritance. Affected: no. Observed: 1 variant allele.

Women's Health and Genetics/Laboratory Corporation of America, LabCorp
Classification: Likely pathogenic for 3-Oxo-5 alpha-steroid delta 4-dehydrogenase deficiency. Last evaluated: 2024-08-09. Review status: criteria provided, single submitter. Criteria: LabCorp Variant Classification Summary - May 2015. Collection method: clinical testing. Allele origin: germline.
Comment: Variant summary: SRD5A2 c.151G>A (p.Ala51Thr), also known as c.154G>A (p.Ala52Thr), results in a non-conservative amino acid change in the encoded protein sequence. Three of three in-silico tools predict a damaging effect of the variant on protein function. The variant allele was found at a frequency of 2.5e-05 in 238970 control chromosomes (gnomAD). c.151G>A has been reported in the literature in individuals affected with 3-Oxo-5 alpha-steroid delta 4-dehydrogenase deficiency (Shabir_2012, 2015, Kumar_2019, Ramos_2020). These data indicate that the variant may be associated with disease. At least one publication reports experimental evidence evaluating an impact on protein function, finding that the variant results in 10%-<30% of normal catalytic efficiency (Ramos_2020). The following publications have been ascertained in the context of this evaluation (PMID: 23112260, 26453174, 32894851, 32380235). ClinVar contains an entry for this variant (Variation ID: 1208410). Based on the evidence outlined above, the variant was classified as likely pathogenic.

Neuberg Centre For Genomic Medicine, NCGM
Classification: Uncertain significance for 3-Oxo-5 alpha-steroid delta 4-dehydrogenase deficiency. Review status: criteria provided, single submitter. Criteria: ACMG Guidelines, 2015. Collection method: clinical testing. Allele origin: germline. Inheritance: Autosomal recessive inheritance. Affected: yes.
Comment: The observed missense variant c.151G>Ap.Ala51Thr in the SRD5A2 gene has not been reported previously as a pathogenic variant nor as a benign variant, to our knowledge. This variant has been reported to the ClinVar database as Likely pathogenic. However, no details are available for independent assessment. This variant is reported with the allele frequency 0.003% in the gnomAD Exomes. The amino acid Ala at position 51 is changed to a Thr changing protein sequence and it might alter its composition and physico-chemical properties. Computational evidence is unavailable for this variant. The residue is conserved by GERP++ and PhyloP across 100 vertebrates. Study on multiple affected individuals and functional studies are required to prove the pathogenicity of the variant. For these reasons, this variant has been classified as Uncertain Significance.

University of Sydney Medical Foundation
No classification provided. Review status: no classification provided. Collection method: not provided. Allele origin: not provided. Not counted in ClinVar's aggregate classification.

Literature cited by the submitters: PubMed 32894851 (cited by Women's Health and Genetics/Laboratory Corporation of America, LabCorp); PubMed 32380235 (cited by Women's Health and Genetics/Laboratory Corporation of America, LabCorp); PubMed 26453174 (cited by Women's Health and Genetics/Laboratory Corporation of America, LabCorp); PubMed 23112260 (cited by Women's Health and Genetics/Laboratory Corporation of America, LabCorp).